The following is an entry in ClinVar:

NM_177559.3(CSNK2A1):c.169A>G (p.Ile57Val)

Gene: CSNK2A1 (casein kinase 2 alpha 1; minus strand). Cytogenetic location: 20p13.
Variant type: single nucleotide variant.
Coding change: c.169A>G on transcript NM_177559.3 (MANE Select); coding-DNA position 169, A replaced by G.
Protein change: p.Ile57Val; replaces isoleucine 57 with valine.
Molecular consequence: missense variant. On other transcripts: 5 prime UTR variant (1).
Genome position (GRCh38, 1-based): chr20:505,162, T>C on the plus strand (A>G on the coding strand, the complement: CSNK2A1 is on the minus strand). VCF-style: chr20-505162-T-C. GRCh37 (hg19) VCF-style: chr20-485806-T-C.
Other names: c.169A>G, p.Ile57Val (NM_001362770.2, NM_001362771.2, NM_001895.4); c.-240A>G (NM_177560.3); short protein forms I57V.
Identifiers: ClinVar variation 4530004 (VCV004530004.1).

ClinVar aggregate classification (germline): Uncertain significance (1 of 4 stars; one submission).

gnomAD v4.1: 3 of 1,613,640 alleles (0.00019%); highest among the groups gnomAD compares: South Asian, 0.0011%; no homozygotes.

Submission:

GeneDx
Classification: Uncertain significance. Last evaluated: 2025-05-13. Review status: criteria provided, single submitter. Criteria: GeneDx Variant Classification Process June 2021. Collection method: clinical testing. Allele origin: germline. Affected: yes.
Comment: In silico analysis suggests that this missense variant does not alter protein structure/function; Has not been previously published as pathogenic or benign to our knowledge